The following is an entry in ClinVar:

NM_018993.4(RIN2):c.1343T>C (p.Met448Thr)

Gene: RIN2 (Ras and Rab interactor 2; plus strand). Cytogenetic location: 20p11.23.
Variant type: single nucleotide variant.
Coding change: c.1343T>C on transcript NM_018993.4 (MANE Select); coding-DNA position 1343, T replaced by C.
Protein change: p.Met448Thr; replaces methionine 448 with threonine.
Molecular consequence: missense variant.
Genome position (GRCh38, 1-based): chr20:19,975,368, T>C. VCF-style: chr20-19975368-T-C. GRCh37 (hg19) VCF-style: chr20-19956012-T-C.
Other names: c.1490T>C, p.Met497Thr (NM_001242581.2); c.725T>C, p.Met242Thr (NM_001378238.1); c.1490T>C (NM_001242581.1); short protein forms M497T, M448T, M242T.
Identifiers: ClinVar variation 2557992 (VCV002557992.3), dbSNP rs371816473, ClinGen allele CA9780067.

ClinVar aggregate classification (germline): Uncertain significance. Review status: criteria provided, single submitter (1 of 4 stars). 2 submissions from 2 submitters: Uncertain significance (1). 1 of the submissions does not count toward it. Last evaluated 2023-05-23.

Conditions:
RIN2-related disorder. Also called: RIN2-related condition.
Inborn genetic diseases. Identifiers: MedGen C0950123, MeSH D030342.

Allele frequency attached by ClinVar (database versions not stated): ExAC 0.00002; gnomAD 0.00003; gnomAD exomes 0.00003; TOPMed 0.00003; ESP Exome Variant Server 0.00008.
gnomAD v4.1: 54 of 1,613,816 alleles (0.0033%); highest among the groups gnomAD compares: Non-Finnish European, 0.0043%; no homozygotes.

Submissions (2):

Ambry Genetics
Classification: Uncertain significance for Inborn genetic diseases. Last evaluated: 2023-05-23. Review status: criteria provided, single submitter. Criteria: Ambry Variant Classification Scheme 2023. Collection method: clinical testing. Allele origin: germline.

PreventionGenetics, part of Exact Sciences
Classification: Uncertain significance for RIN2-related condition. Last evaluated: 2024-03-29. Review status: no assertion criteria provided. Collection method: clinical testing. Allele origin: germline. Not counted in ClinVar's aggregate classification.
Comment: The RIN2 c.1490T>C variant is predicted to result in the amino acid substitution p.Met497Thr. To our knowledge, this variant has not been reported in the literature. This variant is reported in 0.0071% of alleles in individuals of European (Non-Finnish) descent in gnomAD. At this time, the clinical significance of this variant is uncertain due to the absence of conclusive functional and genetic evidence.